The following is an entry in ClinVar:

ClinVar aggregate classification (germline): Uncertain significance (1 of 4 stars; one submission).

gnomAD v4.1: 3 of 1,516,352 alleles (0.0002%); highest among the groups gnomAD compares: South Asian, 0.0013%; no homozygotes.

Submission:

Ambry Genetics
Classification: Uncertain significance. Last evaluated: 2026-03-23. Review status: criteria provided, single submitter. Criteria: Ambry Variant Classification Scheme 2023. Collection method: clinical testing. Allele origin: germline.
Comment: The p.G1461S variant (also known as c.4381G>A), located in coding exon 14 of the CDK12 gene, results from a G to A substitution at nucleotide position 4381. The glycine at codon 1461 is replaced by serine, an amino acid with similar properties. This amino acid position is conserved. In addition, this alteration is predicted to be tolerated by in silico analysis. Based on the available evidence, the clinical significance of this variant remains unclear.

NM_016507.4(CDK12):c.4381G>A (p.Gly1461Ser)

Gene: CDK12 (cyclin dependent kinase 12; plus strand). Cytogenetic location: 17q12.
Variant type: single nucleotide variant.
Coding change: c.4381G>A on transcript NM_016507.4 (MANE Select); coding-DNA position 4381, G replaced by A.
Protein change: p.Gly1461Ser; replaces glycine 1461 with serine.
Molecular consequence: missense variant.
Genome position (GRCh38, 1-based): chr17:39,531,224, G>A. VCF-style: chr17-39531224-G-A. GRCh37 (hg19) VCF-style: chr17-37687477-G-A.
Other names: c.4354G>A, p.Gly1452Ser (NM_015083.4); short protein forms G1452S, G1461S.
Identifiers: ClinVar variation 4868455 (VCV004868455.1).